The following is an entry in ClinVar:

NM_020884.7(MYH7B):c.742-16_742-14delinsAAA

Gene: MYH7B (myosin heavy chain 7B; plus strand). Cytogenetic location: 20q11.22.
Variant type: Indel.
Coding change: c.742-16_742-14delinsAAA on transcript NM_020884.7 (MANE Select); 16 bases into the intron before coding-DNA position 742 through 14 bases into the intron before coding-DNA position 742, GCC replaced by AAA.
Molecular consequence: intron variant.
Genome position (GRCh38, 1-based): chr20:34,985,050-34,985,052, GCC replaced by AAA. VCF-style: chr20-34985050-GCC-AAA. GRCh37 (hg19) VCF-style: chr20-33572853-GCC-AAA.
Identifiers: ClinVar variation 1934787 (VCV001934787.5), dbSNP rs2519132324, ClinGen allele CA2580098110.

ClinVar aggregate classification (germline): Uncertain significance (1 of 4 stars; one submission).

Submission:

Labcorp Genetics (formerly Invitae), Labcorp
Classification: Uncertain significance. Last evaluated: 2024-09-29. Review status: criteria provided, single submitter. Criteria: Invitae Variant Classification Sherloc (09022015). Collection method: clinical testing. Allele origin: germline.
Comment: This sequence change falls in intron 12 of the MYH7B gene. It does not directly change the encoded amino acid sequence of the MYH7B protein. Information on the frequency of this variant in the gnomAD database is not available, as this variant may be reported differently in the database. This variant has not been reported in the literature in individuals affected with MYH7B-related conditions. ClinVar contains an entry for this variant (Variation ID: 1934787). Experimental studies and prediction algorithms are not available or were not evaluated, and the effect of this variant on mRNA splicing is currently unknown. In summary, the available evidence is currently insufficient to determine the role of this variant in disease. Therefore, it has been classified as a Variant of Uncertain Significance.